The following is an entry in ClinVar:

NM_001370466.1(NOD2):c.-8-2A>T

Gene: NOD2 (nucleotide binding oligomerization domain containing 2; plus strand). Cytogenetic location: 16q12.1.
Variant type: single nucleotide variant.
Coding change: c.-8-2A>T on transcript NM_001370466.1 (MANE Select); the canonical splice acceptor site of the intron before 8 bases upstream of the start codon, A replaced by T.
Molecular consequence: splice acceptor variant. On other transcripts: 5 prime UTR variant (1).
Genome position (GRCh38, 1-based): chr16:50,699,486, A>T. VCF-style: chr16-50699486-A-T. GRCh37 (hg19) VCF-style: chr16-50733397-A-T.
Other names: c.-10A>T (NM_001293557.2); c.74-2A>T (NM_022162.3).
Identifiers: ClinVar variation 2920862 (VCV002920862.1), dbSNP rs2509130353, ClinGen allele CA395865135.

ClinVar aggregate classification (germline): Uncertain significance (1 of 4 stars; one submission).

Submission:

ARUP Laboratories, Molecular Genetics and Genomics, ARUP Laboratories
Classification: Uncertain significance. Last evaluated: 2023-02-14. Review status: criteria provided, single submitter. Criteria: ARUP Molecular Germline Variant Investigation Process 2024. Collection method: clinical testing. Allele origin: germline.
Comment: The NOD2 c.74-2A>T variant, to our knowledge, is not reported in the medical literature or gene specific databases. This variant is also absent from the Genome Aggregation Database, indicating it is not a common polymorphism. This variant disrupts the canonical splice acceptor site of intron 1, which is likely to negatively impact gene function. Loss-of-function variants are not an established mechanism of disease for Blau syndrome, but have been associated with an increased risk for Crohn’s disease (Huang 2017). However, given the lack of clinical and functional data, the significance of the c.74-2A>T variant is uncertain at this time. References: Huang H et al. Fine-mapping inflammatory bowel disease loci to single-variant resolution. Nature. 2017 Jul 13;547(7662):173-178. PMID: 28658209.